The following is an entry in ClinVar:

ClinVar aggregate classification (germline): Uncertain significance (1 of 4 stars; one submission).

Conditions:
Neonatal encephalomyopathy-cardiomyopathy-respiratory distress syndrome. Also called: Coenzyme Q10 deficiency, primary, 7. Identifiers: Orphanet 457185, MedGen C5568562, MONDO:0014562, OMIM 616276.

Submission:

Pediatric Department, Xiangya Hospital, Central South University
Classification: Uncertain significance for Neonatal encephalomyopathy-cardiomyopathy-respiratory distress syndrome. Review status: criteria provided, single submitter. Criteria: ACMG Guidelines, 2015. Collection method: clinical testing. Allele origin: maternal. Inheritance: Autosomal recessive inheritance. Affected: yes. Observed: 2 compound heterozygotes. Clinical features observed: Neurodevelopmental delay, Feeding difficulties, Hypertonia, Abnormal basal ganglia MRI signal intensity.
Comment: This variant was observed in compound heterozygosity with variant (c.550T>C)

NM_016035.5(COQ4):c.743T>C (p.Leu248Pro)

Gene: COQ4 (coenzyme Q4; plus strand). Cytogenetic location: 9q34.11.
Variant type: single nucleotide variant.
Coding change: c.743T>C on transcript NM_016035.5 (MANE Select); coding-DNA position 743, T replaced by C.
Protein change: p.Leu248Pro; replaces leucine 248 with proline.
Molecular consequence: missense variant. On other transcripts: 3 prime UTR variant (1).
Genome position (GRCh38, 1-based): chr9:128,333,590, T>C. VCF-style: chr9-128333590-T-C. GRCh37 (hg19) VCF-style: chr9-131095869-T-C.
Other names: c.*119T>C (NM_001305942.2); short protein forms L248P.
Identifiers: ClinVar variation 1802989 (VCV001802989.1), dbSNP rs2539431191, ClinGen allele CA375024837.
Genomic context (GRCh38, chr9:128,333,590, plus strand): 5'-GAGCCCCATGTGTCCTCAACCTGTACTATGAGCGGCGCTGGGAGCAGTCCCTGAGGGCTC[T>C]GCGGGAGGAGCTGGGCATTACAGCACCACCCATGCACGTCCAGGGCTTGGCCTGAGCTCC-3'
Protein context (NP_057119.3, residues 238-258): ERRWEQSLRA[Leu248Pro]REELGITAPP